The following is an entry in ClinVar:

ClinVar aggregate classification (germline): Uncertain significance. Review status: criteria provided, multiple submitters, no conflicts (2 of 4 stars). 2 submissions from 2 submitters: Uncertain significance (2). Last evaluated 2023-08-29.

Conditions:
Hypertrophic cardiomyopathy 26. Also called: Cardiomyopathy, familial hypertrophic, 26. Identifiers: Orphanet 75249, MedGen C4310749, MONDO:0014883, OMIM 617047.
Myofibrillar myopathy 5. Also called: Filaminopathy (type); FILAMINOPATHY, AUTOSOMAL DOMINANT. Identifiers: Orphanet 171445, MedGen C1836050, MONDO:0012289, OMIM 609524.
Distal myopathy with posterior leg and anterior hand involvement. Also called: WILLIAMS DISTAL MYOPATHY. Identifiers: Orphanet 63273, MedGen C3279722, MONDO:0013550, OMIM 614065.
Cardiovascular phenotype. Identifiers: MedGen CN230736.

Allele frequency attached by ClinVar (database versions not stated): gnomAD exomes below 0.00001.
gnomAD v4.1: 3 of 1,566,422 alleles (0.00019%); highest among the groups gnomAD compares: Non-Finnish European, 0.00017%; no homozygotes.

Submissions (2):

Ambry Genetics
Classification: Uncertain significance for Cardiovascular phenotype. Last evaluated: 2023-08-29. Review status: criteria provided, single submitter. Criteria: Ambry Variant Classification Scheme 2023. Collection method: clinical testing. Allele origin: germline.
Comment: The p.L1750M variant (also known as c.5248C>A), located in coding exon 31 of the FLNC gene, results from a C to A substitution at nucleotide position 5248. The leucine at codon 1750 is replaced by methionine, an amino acid with highly similar properties. This amino acid position is conserved. In addition, this alteration is predicted to be tolerated by in silico analysis. Since supporting evidence is limited at this time, the clinical significance of this alteration remains unclear.

Labcorp Genetics (formerly Invitae), Labcorp
Classification: Uncertain significance for Distal myopathy with posterior leg and anterior hand involvement; Myofibrillar myopathy 5; Hypertrophic cardiomyopathy 26. Last evaluated: 2023-06-05. Review status: criteria provided, single submitter. Criteria: Invitae Variant Classification Sherloc (09022015). Collection method: clinical testing. Allele origin: germline.
Comment: This sequence change replaces leucine, which is neutral and non-polar, with methionine, which is neutral and non-polar, at codon 1750 of the FLNC protein (p.Leu1750Met). The frequency data for this variant in the population databases is considered unreliable, as metrics indicate poor data quality at this position in the gnomAD database. This variant has not been reported in the literature in individuals affected with FLNC-related conditions. Algorithms developed to predict the effect of missense changes on protein structure and function output the following: SIFT: "Not Available"; PolyPhen-2: "Benign"; Align-GVGD: "Not Available". The methionine amino acid residue is found in multiple mammalian species, which suggests that this missense change does not adversely affect protein function. In summary, the available evidence is currently insufficient to determine the role of this variant in disease. Therefore, it has been classified as a Variant of Uncertain Significance.

NM_001458.5(FLNC):c.5248C>A (p.Leu1750Met)

Gene: FLNC (filamin C; plus strand). Cytogenetic location: 7q32.1.
Variant type: single nucleotide variant.
Coding change: c.5248C>A on transcript NM_001458.5 (MANE Select); coding-DNA position 5248, C replaced by A.
Protein change: p.Leu1750Met; replaces leucine 1750 with methionine.
Molecular consequence: missense variant. On other transcripts: intron variant (1).
Genome position (GRCh38, 1-based): chr7:128,850,024, C>A. VCF-style: chr7-128850024-C-A. GRCh37 (hg19) VCF-style: chr7-128490078-C-A.
Other names: c.5200-360C>A (NM_001127487.2); short protein forms L1750M.
Identifiers: ClinVar variation 2585965 (VCV002585965.5), dbSNP rs1437466169, ClinGen allele CA369204626.
Genomic context (GRCh38, chr7:128,850,024, plus strand): 5'-TTGCCTCCCCAGGCGTGTGACCCCCTGCCGCACGAGGAGGAGCCCTCTGAAGTGCCACAG[C>A]TGCGCCAGCCCTACGCTCCTCCCCGGCCCGGCGCCCGCCCCACACACTGGGTACTGCGCC-3'
Protein context (NP_001449.3, residues 1740-1760): HEEEPSEVPQ[Leu1750Met]RQPYAPPRPG